The following is an entry in ClinVar:

ClinVar aggregate classification (germline): Benign/Likely benign. Review status: criteria provided, multiple submitters, no conflicts (2 of 4 stars). 7 submissions from 6 submitters: Benign (3); Likely benign (2). 2 of the submissions do not count toward it. Last evaluated 2026-06-17.

Conditions:
Cardiovascular phenotype. Identifiers: MedGen CN230736.
Osteogenesis imperfecta (OI). Identifiers: Orphanet 666, MedGen C0029434, MeSH D010013, MONDO:0019019.
Osteogenesis imperfecta type I (OI1). Also called: Osteogenesis imperfecta type 1; OI, TYPE I; OSTEOGENESIS IMPERFECTA TARDA; OSTEOGENESIS IMPERFECTA WITH BLUE SCLERAE; Classic Non-deforming Osteogenesis Imperfecta with Blue Sclerae; Lobstein's Disease. Identifiers: Orphanet 216796, Orphanet 666, MedGen C0023931, MONDO:0008146, OMIM 166200. Disease mechanism: loss of function.
Ehlers-Danlos syndrome, classic type, 1 (EDSCL1). Also called: Ehlers-Danlos Syndrome, Classic Type, COL5A1-Related; Ehlers-Danlos syndrome, type 1; EDS I; EHLERS-DANLOS SYNDROME, GRAVIS TYPE; EHLERS-DANLOS SYNDROME, SEVERE CLASSIC TYPE. Identifiers: MedGen C0268335, MONDO:0019567, OMIM 130000.
Ehlers-Danlos syndrome, arthrochalasia type, 2. Also called: EHLERS-DANLOS SYNDROME, TYPE VIIB, AUTOSOMAL DOMINANT. Identifiers: MedGen CN293783, MONDO:0040501, OMIM 617821.

Allele frequency attached by ClinVar (database versions not stated): TOPMed 0.00001; gnomAD 0.00007 and below 0.00001; ExAC 0.00033; 1000 Genomes Project 30x 0.00125; gnomAD exomes 0.00026 and 0.00011; 1000 Genomes Project 0.00160.
gnomAD v4.1: 173 of 1,614,128 alleles (0.011%); highest among the groups gnomAD compares: South Asian, 0.18%; 2 homozygotes.

Submissions (7):

Ambry Genetics
Classification: Likely benign for Cardiovascular phenotype. Last evaluated: 2026-06-17. Review status: criteria provided, single submitter. Criteria: Ambry Variant Classification Scheme 2023. Collection method: clinical testing. Allele origin: germline.

Women's Health and Genetics/Laboratory Corporation of America, LabCorp
Classification: Likely benign. Last evaluated: 2025-04-21. Review status: criteria provided, single submitter. Criteria: LabCorp Variant Classification Summary - May 2015. Collection method: clinical testing. Allele origin: germline.
Comment: Variant summary: COL1A2 c.2563G>A (p.Ala855Thr) results in a non-conservative amino acid change in the encoded protein sequence. Three of five in-silico tools predict a damaging effect of the variant on protein function. Consensus agreement among computation tools predict no significant impact on normal splicing. However, these predictions have yet to be confirmed by functional studies. The variant allele was found at a frequency of 0.00026 in 251284 control chromosomes, predominantly at a frequency of 0.002 within the South Asian subpopulation in the gnomAD database, including 1 homozygote. The observed variant frequency within South Asian control individuals in the gnomAD database is approximately 1.8 fold of the estimated maximal expected allele frequency for a pathogenic variant in COL1A2 causing Ehlers-Danlos syndrome, cardiac valvular type phenotype (0.0011). c.2563G>A has been observed in individuals affected with COL1A2-related conditions (Mrosk_2018). This report however, does not provide unequivocal conclusions about association of the variant with Ehlers-Danlos syndrome, cardiac valvular type. To our knowledge, no experimental evidence demonstrating an impact on protein function has been reported. The following publication has been ascertained in the context of this evaluation (PMID: 29499418). ClinVar contains an entry for this variant (Variation ID: 360963). Based on the evidence outlined above, the variant was classified as likely benign.

Labcorp Genetics (formerly Invitae), Labcorp
Classification: Benign for Osteogenesis imperfecta type I; Ehlers-Danlos syndrome, classic type, 1. Last evaluated: 2025-02-03. Review status: criteria provided, single submitter. Criteria: Invitae Variant Classification Sherloc (09022015). Collection method: clinical testing. Allele origin: germline.

Illumina Laboratory Services, Illumina
Classification: Benign for Osteogenesis imperfecta. Last evaluated: 2018-01-12. Review status: criteria provided, single submitter. Criteria: ICSL Variant Classification Criteria 13 December 2019. Collection method: clinical testing. Allele origin: germline.
Comment: This variant was observed in the ICSL laboratory as part of a predisposition screen in an ostensibly healthy population. It had not been previously curated by ICSL or reported in the Human Gene Mutation Database (HGMD: prior to June 1st, 2018), and was therefore a candidate for classification through an automated scoring system. Utilizing variant allele frequency, disease prevalence and penetrance estimates, and inheritance mode, an automated score was calculated to assess if this variant is too frequent to cause the disease. Based on the score and internal cut-off values, a variant classified as benign is not then subjected to further curation. The score for this variant resulted in a classification of benign for this disease.

Illumina Laboratory Services, Illumina
Classification: Benign for Ehlers-Danlos syndrome, arthrochalasia type, 2. Last evaluated: 2018-01-12. Review status: criteria provided, single submitter. Criteria: ICSL Variant Classification Criteria 13 December 2019. Collection method: clinical testing. Allele origin: germline.
Comment: the same text as in the submission from Illumina Laboratory Services, Illumina above.

Clinical Genetics DNA and cytogenetics Diagnostics Lab, Erasmus MC, Erasmus Medical Center
Classification: Likely benign. Review status: no assertion criteria provided. Collection method: clinical testing. Allele origin: germline. Affected: yes. Study: VKGL Data-share Consensus. Not counted in ClinVar's aggregate classification.

Laboratory of Diagnostic Genome Analysis, Leiden University Medical Center (LUMC)
Classification: Likely benign. Review status: no assertion criteria provided. Collection method: clinical testing. Allele origin: germline. Affected: yes. Study: VKGL Data-share Consensus. Not counted in ClinVar's aggregate classification.

Literature cited by the submitters: PubMed 29499418 (cited by Women's Health and Genetics/Laboratory Corporation of America, LabCorp).

NM_000089.4(COL1A2):c.2563G>A (p.Ala855Thr)

Gene: COL1A2 (collagen type I alpha 2 chain; plus strand). Cytogenetic location: 7q21.3.
Variant type: single nucleotide variant.
Coding change: c.2563G>A on transcript NM_000089.4 (MANE Select); coding-DNA position 2563, G replaced by A.
Protein change: p.Ala855Thr; replaces alanine 855 with threonine.
Molecular consequence: missense variant.
Genome position (GRCh38, 1-based): chr7:94,423,116, G>A. VCF-style: chr7-94423116-G-A. GRCh37 (hg19) VCF-style: chr7-94052428-G-A.
Other names: short protein forms A855T.
Identifiers: ClinVar variation 360963 (VCV000360963.18), dbSNP rs541473356, ClinGen allele CA4347477.